The following is an entry in ClinVar:

ClinVar aggregate classification (germline): Uncertain significance. Review status: criteria provided, multiple submitters, no conflicts (2 of 4 stars). 3 submissions from 3 submitters: Uncertain significance (2). 1 of the submissions does not count toward it. Last evaluated 2026-06-01.

Conditions:
Inborn genetic diseases. Identifiers: MedGen C0950123, MeSH D030342.
NOTCH3-related disorder. Also called: NOTCH3-related condition; NOTCH3-related disorders.

Allele frequency attached by ClinVar (database versions not stated): gnomAD 0.00001; TOPMed 0.00001; ExAC 0.00009.
gnomAD v4.1: 26 of 1,541,146 alleles (0.0017%); highest among the groups gnomAD compares: South Asian, 0.0083%; no homozygotes.

Submissions (3):

CeGaT Center for Human Genetics Tuebingen
Classification: Uncertain significance. Last evaluated: 2026-06-01. Review status: criteria provided, single submitter. Criteria: CeGaT Center For Human Genetics Tuebingen Variant Classification Criteria Version 2. Collection method: clinical testing. Allele origin: germline. Affected: yes. Observed: 1 variant allele.

Ambry Genetics
Classification: Uncertain significance for Inborn genetic diseases. Last evaluated: 2021-10-22. Review status: criteria provided, single submitter. Criteria: Ambry Variant Classification Scheme 2023. Collection method: clinical testing. Allele origin: germline.

PreventionGenetics, part of Exact Sciences
Classification: Uncertain significance for NOTCH3-related condition. Last evaluated: 2024-06-10. Review status: no assertion criteria provided. Collection method: clinical testing. Allele origin: germline. Not counted in ClinVar's aggregate classification.
Comment: The NOTCH3 c.6433C>T variant is predicted to result in the amino acid substitution p.Arg2145Trp. To our knowledge, this variant has not been reported in the literature. This variant is reported in 0.010% of alleles in individuals of European (Finnish) descent in gnomAD. Although we suspect that this variant may be benign, at this time, the clinical significance of this variant is uncertain due to the absence of conclusive functional and genetic evidence.

NM_000435.3(NOTCH3):c.6433C>T (p.Arg2145Trp)

Gene: NOTCH3 (notch receptor 3; minus strand). Cytogenetic location: 19p13.12.
Variant type: single nucleotide variant.
Coding change: c.6433C>T on transcript NM_000435.3 (MANE Select); coding-DNA position 6433, C replaced by T.
Protein change: p.Arg2145Trp; replaces arginine 2145 with tryptophan.
Molecular consequence: missense variant.
Genome position (GRCh38, 1-based): chr19:15,161,195, G>A on the plus strand (C>T on the coding strand, the complement: NOTCH3 is on the minus strand). VCF-style: chr19-15161195-G-A. GRCh37 (hg19) VCF-style: chr19-15272006-G-A.
Other names: short protein forms R2145W.
Identifiers: ClinVar variation 2256590 (VCV002256590.5), dbSNP rs746097439, ClinGen allele CA9262372.